The following is an entry in ClinVar:

NM_015001.3(SPEN):c.6598C>T (p.Pro2200Ser)

Gene: SPEN (spen family transcriptional repressor; plus strand). Cytogenetic location: 1p36.13.
Variant type: single nucleotide variant.
Coding change: c.6598C>T on transcript NM_015001.3 (MANE Select); coding-DNA position 6598, C replaced by T.
Protein change: p.Pro2200Ser; replaces proline 2200 with serine.
Molecular consequence: missense variant.
Genome position (GRCh38, 1-based): chr1:15,932,838, C>T. VCF-style: chr1-15932838-C-T. GRCh37 (hg19) VCF-style: chr1-16259333-C-T.
Other names: short protein forms P2200S.
Identifiers: ClinVar variation 3168945 (VCV003168945.2), dbSNP rs778976188, ClinGen allele CA619960.

ClinVar aggregate classification (germline): Uncertain significance. Review status: criteria provided, multiple submitters, no conflicts (2 of 4 stars). 2 submissions from 2 submitters: Uncertain significance (2). Last evaluated 2025-08-08.

Conditions:
Radio-Tartaglia syndrome. Identifiers: Orphanet 662234, MedGen C5543339, MONDO:0859143, OMIM 619312.
Inborn genetic diseases. Identifiers: MedGen C0950123, MeSH D030342.

Allele frequency attached by ClinVar (database versions not stated): ExAC 0.00001; gnomAD 0.00003; TOPMed 0.00011.
gnomAD v4.1: 13 of 1,614,078 alleles (0.00081%); highest among the groups gnomAD compares: Admixed American, 0.0083%; no homozygotes.

Submissions (2):

Laboratorio de Genetica e Diagnostico Molecular, Hospital Israelita Albert Einstein
Classification: Uncertain significance for Radio-Tartaglia syndrome. Last evaluated: 2025-08-08. Review status: criteria provided, single submitter. Criteria: ACMG Guidelines, 2015. Collection method: clinical testing. Allele origin: germline. Affected: yes.
Comment: ACMG classification criteria: PM2 supporting, PP2 supporting, BP4 supporting

Ambry Genetics
Classification: Uncertain significance for Inborn genetic diseases. Last evaluated: 2024-01-02. Review status: criteria provided, single submitter. Criteria: Ambry Variant Classification Scheme 2023. Collection method: clinical testing. Allele origin: germline.